The following is an entry in ClinVar:

NM_001083116.3(PRF1):c.96G>A (p.Lys32=)

Gene: PRF1 (perforin 1; minus strand). Cytogenetic location: 10q22.1.
Variant type: single nucleotide variant.
Coding change: c.96G>A on transcript NM_001083116.3 (MANE Select); coding-DNA position 96, G replaced by A.
Protein change: p.Lys32=; no amino-acid change (lysine 32 retained).
Molecular consequence: synonymous variant.
Genome position (GRCh38, 1-based): chr10:70,600,807, C>T on the plus strand (G>A on the coding strand, the complement: PRF1 is on the minus strand). VCF-style: chr10-70600807-C-T. GRCh37 (hg19) VCF-style: chr10-72360563-C-T.
Other names: p.Lys32=; c.96G>A, p.Lys32= (NM_005041.6); c.96G>A (NM_005041.4).
Identifiers: ClinVar variation 468312 (VCV000468312.44), dbSNP rs2228018, ClinGen allele CA5539128.

ClinVar aggregate classification (germline): Benign/Likely benign. Review status: criteria provided, multiple submitters, no conflicts (2 of 4 stars). 10 submissions from 9 submitters: Benign (5); Likely benign (2). 3 of the submissions do not count toward it. Last evaluated 2026-05-01.

Conditions:
Familial hemophagocytic lymphohistiocytosis 2 (FHL2). Also called: PRF1-Related Familial Hemophagocytic Lymphohistiocytosis (PRF1-fHLH). Identifiers: Orphanet 540, MedGen C1863727, MONDO:0011337, OMIM 603553.
PRF1-related disorder. Also called: PRF1-related condition.
Lymphoma, non-Hodgkin, familial. Identifiers: MedGen C4721532, MONDO:0011508, OMIM 605027.

Allele frequency attached by ClinVar (database versions not stated): TOPMed 0.00466; 1000 Genomes Project 30x 0.00468; gnomAD exomes 0.00042 and 0.00108; ExAC 0.00152; gnomAD 0.00410 and 0.00448; 1000 Genomes Project 0.00439; ESP Exome Variant Server 0.00462.
gnomAD v4.1: 1,273 of 1,612,242 alleles (0.079%); highest among the groups gnomAD compares: African/African-American, 1.5%; 17 homozygotes.

Submissions (10):

CeGaT Center for Human Genetics Tuebingen
Classification: Benign. Last evaluated: 2026-05-01. Review status: criteria provided, single submitter. Criteria: CeGaT Center For Human Genetics Tuebingen Variant Classification Criteria Version 2. Collection method: clinical testing. Allele origin: germline. Affected: yes. Observed: 3 variant alleles.
Comment: PRF1: BP4, BP7, BS1, BS2

Labcorp Genetics (formerly Invitae), Labcorp
Classification: Benign for Familial hemophagocytic lymphohistiocytosis 2. Last evaluated: 2026-01-31. Review status: criteria provided, single submitter. Criteria: Invitae Variant Classification Sherloc (09022015). Collection method: clinical testing. Allele origin: germline.

Mayo Clinic Laboratories, Mayo Clinic
Classification: Benign. Last evaluated: 2025-09-22. Review status: criteria provided, single submitter. Criteria: ACMG Guidelines, 2015. Collection method: clinical testing. Allele origin: germline. Observed: 1 variant allele.
Comment: BS1, BS2, BP4, BP7

KCCC/NGS Laboratory, Kuwait Cancer Control Center
Classification: Benign for Familial hemophagocytic lymphohistiocytosis 2. Last evaluated: 2025-02-01. Review status: criteria provided, single submitter. Criteria: ACMG Guidelines, 2015. Collection method: clinical testing. Allele origin: germline. Affected: no.

KCCC/NGS Laboratory, Kuwait Cancer Control Center
Classification: Benign for Lymphoma, non-Hodgkin, familial. Last evaluated: 2023-07-07. Review status: criteria provided, single submitter. Criteria: ACMG Guidelines, 2015. Collection method: clinical testing. Allele origin: germline. Affected: yes.

Illumina Laboratory Services, Illumina
Classification: Likely benign for Familial hemophagocytic lymphohistiocytosis 2. Last evaluated: 2018-01-13. Review status: criteria provided, single submitter. Criteria: ICSL Variant Classification Criteria 13 December 2019. Collection method: clinical testing. Allele origin: germline.
Comment: This variant was observed in the ICSL laboratory as part of a predisposition screen in an ostensibly healthy population. It had not been previously curated by ICSL or reported in the Human Gene Mutation Database (HGMD: prior to June 1st, 2018), and was therefore a candidate for classification through an automated scoring system. Utilizing variant allele frequency, disease prevalence and penetrance estimates, and inheritance mode, an automated score was calculated to assess if this variant is too frequent to cause the disease. Based on the score and internal cut-off values, a variant classified as likely benign is not then subjected to further curation. The score for this variant resulted in a classification of likely benign for this disease.

Breakthrough Genomics
Classification: Likely benign. Review status: criteria provided, single submitter. Criteria: ACMG Guidelines, 2015. Collection method: not provided. Allele origin: germline. Inheritance: Autosomal recessive inheritance. Affected: yes.

PreventionGenetics, part of Exact Sciences
Classification: Benign for PRF1-related condition. Last evaluated: 2019-05-30. Review status: no assertion criteria provided. Collection method: clinical testing. Allele origin: germline. Not counted in ClinVar's aggregate classification.
Comment: This variant is classified as benign based on ACMG/AMP sequence variant interpretation guidelines (Richards et al. 2015 PMID: 25741868, with internal and published modifications).

Clinical Genetics DNA and cytogenetics Diagnostics Lab, Erasmus MC, Erasmus Medical Center
Classification: Benign. Review status: no assertion criteria provided. Collection method: clinical testing. Allele origin: germline. Affected: yes. Study: VKGL Data-share Consensus. Not counted in ClinVar's aggregate classification.

Genome Diagnostics Laboratory, University Medical Center Utrecht
Classification: Likely benign. Review status: no assertion criteria provided. Collection method: clinical testing. Allele origin: germline. Affected: yes. Study: VKGL Data-share Consensus. Not counted in ClinVar's aggregate classification.